The following is an entry in ClinVar:

ClinVar aggregate classification (germline): Uncertain significance. Review status: criteria provided, multiple submitters, no conflicts (2 of 4 stars). 2 submissions from 2 submitters: Uncertain significance (2). Last evaluated 2023-04-03.

Allele frequency attached by ClinVar (database versions not stated): ExAC 0.00001; gnomAD exomes 0.00001 and 0.00005; gnomAD 0.00003; TOPMed 0.00004; 1000 Genomes Project 30x 0.00016; 1000 Genomes Project 0.00020.
gnomAD v4.1: 24 of 1,611,188 alleles (0.0015%); highest among the groups gnomAD compares: Admixed American, 0.028%; no homozygotes.

Submissions (2):

GeneDx
Classification: Uncertain significance. Last evaluated: 2023-04-03. Review status: criteria provided, single submitter. Criteria: GeneDx Variant Classification Process June 2021. Collection method: clinical testing. Allele origin: germline. Affected: yes.
Comment: Has not been previously published as pathogenic or benign to our knowledge; In silico analysis supports that this missense variant does not alter protein structure/function

Laboratory for Molecular Medicine, Mass General Brigham Personalized Medicine
Classification: Uncertain significance. Last evaluated: 2018-07-03. Review status: criteria provided, single submitter. Criteria: LMM Criteria. Collection method: clinical testing. Allele origin: germline. Observed: 1 variant allele.
Comment: The p.His529Tyr variant in MYO15A has not been previously reported in individual s with hearing loss but has been identified in 0.029% (10/33452) Latino chromoso mes by the Genome Aggregation Database (gnomAD ). Computational prediction tools and conservation analyses suggest that this va riant may not impact the protein, though this information is not predictive enou gh to rule out pathogenicity. In summary, the clinical significance of the p.His 529Tyr variant is uncertain. ACMG/AMP Criteria applied: PM2_Supporting, BP4.

NM_016239.4(MYO15A):c.1585C>T (p.His529Tyr)

Gene: MYO15A (myosin XVA; plus strand). Cytogenetic location: 17p11.2.
Variant type: single nucleotide variant.
Coding change: c.1585C>T on transcript NM_016239.4 (MANE Select); coding-DNA position 1585, C replaced by T.
Protein change: p.His529Tyr; replaces histidine 529 with tyrosine.
Molecular consequence: missense variant.
Genome position (GRCh38, 1-based): chr17:18,120,385, C>T. VCF-style: chr17-18120385-C-T. GRCh37 (hg19) VCF-style: chr17-18023699-C-T.
Other names: short protein forms H529Y.
Identifiers: ClinVar variation 667274 (VCV000667274.5), dbSNP rs200836518, ClinGen allele CA8423129.